The following is an entry in ClinVar:

ClinVar aggregate classification (germline): Likely pathogenic (1 of 4 stars; one submission).

Submission:

GeneDx
Classification: Likely pathogenic. Last evaluated: 2019-02-15. Review status: criteria provided, single submitter. Criteria: GeneDx Variant Classification Process June 2021. Collection method: clinical testing. Allele origin: germline. Affected: yes.
Comment: Not observed in large population cohorts (Lek et al., 2016); In silico analysis, which includes protein predictors and evolutionary conservation, supports a deleterious effect; This variant is associated with the following publications: (PMID: 32287099, 16002738)

NM_000377.3(WAS):c.151G>T (p.Val51Phe)

Gene: WAS (WASP actin nucleation promoting factor; plus strand). Cytogenetic location: Xp11.23.
Variant type: single nucleotide variant.
Coding change: c.151G>T on transcript NM_000377.3 (MANE Select); coding-DNA position 151, G replaced by T.
Protein change: p.Val51Phe; replaces valine 51 with phenylalanine.
Molecular consequence: missense variant.
Genome position (GRCh38, 1-based): chrX:48,684,301, G>T. VCF-style: chrX-48684301-G-T. GRCh37 (hg19) VCF-style: chrX-48542690-G-T.
Other names: short protein forms V51F.
Identifiers: ClinVar variation 1203827 (VCV001203827.3), dbSNP rs2147262778, ClinGen allele CA412866143.